The following is an entry in ClinVar:

NM_017775.4(TTC19):c.*1791T>C

Genes: NCOR1 (nuclear receptor corepressor 1; minus strand), TTC19 (tetratricopeptide repeat domain 19; plus strand). Cytogenetic location: 17p12.
Variant type: single nucleotide variant.
Coding change: c.*1791T>C on transcript NM_017775.4 (MANE Select); 1791 bases downstream of the stop codon, T replaced by C.
Molecular consequence: 3 prime UTR variant.
Genome position (GRCh38, 1-based): chr17:16,029,313, T>C. VCF-style: chr17-16029313-T-C. GRCh37 (hg19) VCF-style: chr17-15932627-T-C.
Other names: c.*1791T>C (NM_001271420.2); c.*2983A>G (NM_006311.4).
Identifiers: ClinVar variation 321984 (VCV000321984.6), dbSNP rs9890012, ClinGen allele CA8407748.
Genomic context (GRCh38, chr17:16,029,313, plus strand): 5'-CAGTCTCTTCATGTGGGTGTTTTCATTACAGTTCATTTACACTGTTGTAAAATAAGGTAC[T>C]GAAGCAAAAGGAGGACTGATCTCCTTTACTGATTGGTCTAAATTCAAAAGTGAATTGGTT-3'

ClinVar aggregate classification (germline): Benign. Review status: criteria provided, multiple submitters, no conflicts (2 of 4 stars). 2 submissions from 2 submitters: Benign (2). Last evaluated 2018-01-13.

Conditions:
Mitochondrial complex III deficiency nuclear type 2. Identifiers: MedGen C3554605, MONDO:0014063, OMIM 615157.

Allele frequency attached by ClinVar (database versions not stated): 1000 Genomes Project 0.36741; 1000 Genomes Project 30x 0.37164; ExAC 0.44622; gnomAD exomes 0.45344 and 0.47942; TOPMed 0.46347; gnomAD 0.47507 and 0.48213.
gnomAD v4.1: 212,349 of 443,510 alleles (48%); highest among the groups gnomAD compares: Middle Eastern, 57%; 53,200 homozygotes.

Submissions (2):

Illumina Laboratory Services, Illumina
Classification: Benign for Mitochondrial complex III deficiency nuclear type 2. Last evaluated: 2018-01-13. Review status: criteria provided, single submitter. Criteria: ICSL Variant Classification Criteria 13 December 2019. Collection method: clinical testing. Allele origin: germline.
Comment: This variant was observed in the ICSL laboratory as part of a predisposition screen in an ostensibly healthy population. It had not been previously curated by ICSL or reported in the Human Gene Mutation Database (HGMD: prior to June 1st, 2018), and was therefore a candidate for classification through an automated scoring system. Utilizing variant allele frequency, disease prevalence and penetrance estimates, and inheritance mode, an automated score was calculated to assess if this variant is too frequent to cause the disease. Based on the score and internal cut-off values, a variant classified as benign is not then subjected to further curation. The score for this variant resulted in a classification of benign for this disease.

Breakthrough Genomics
Classification: Benign. Review status: criteria provided, single submitter. Criteria: ACMG Guidelines, 2015. Collection method: not provided. Allele origin: germline. Inheritance: Autosomal recessive inheritance. Affected: yes.